The following is an entry in ClinVar:

ClinVar aggregate classification (germline): Likely benign (1 of 4 stars; one submission).

gnomAD v4.1: 5 of 1,275,836 alleles (0.00039%); highest among the groups gnomAD compares: East Asian, 0.0031%; no homozygotes.

Submission:

CeGaT Center for Human Genetics Tuebingen
Classification: Likely benign. Last evaluated: 2026-08-01. Review status: criteria provided, single submitter. Criteria: CeGaT Center For Human Genetics Tuebingen Variant Classification Criteria Version 2. Collection method: clinical testing. Allele origin: germline. Affected: yes. Observed: 1 variant allele.
Comment: GABBR2: BP4, BP7

NM_005458.8(GABBR2):c.111C>T (p.Pro37=)

Gene: GABBR2 (gamma-aminobutyric acid type B receptor subunit 2; minus strand). Cytogenetic location: 9q22.33.
Variant type: single nucleotide variant.
Coding change: c.111C>T on transcript NM_005458.8 (MANE Select); coding-DNA position 111, C replaced by T.
Protein change: p.Pro37=; no amino-acid change (proline 37 retained).
Molecular consequence: synonymous variant.
Genome position (GRCh38, 1-based): chr9:98,708,627, G>A on the plus strand (C>T on the coding strand, the complement: GABBR2 is on the minus strand). VCF-style: chr9-98708627-G-A. GRCh37 (hg19) VCF-style: chr9-101470909-G-A.
Identifiers: ClinVar variation 5039467 (VCV005039467.1).